The following is an entry in ClinVar:

ClinVar aggregate classification (germline): Uncertain significance (1 of 4 stars; one submission).

Submission:

Labcorp Genetics (formerly Invitae), Labcorp
Classification: Uncertain significance. Last evaluated: 2024-07-22. Review status: criteria provided, single submitter. Criteria: Invitae Variant Classification Sherloc (09022015). Collection method: clinical testing. Allele origin: germline.
Comment: This sequence change replaces valine, which is neutral and non-polar, with aspartic acid, which is acidic and polar, at codon 355 of the SETBP1 protein (p.Val355Asp). This variant is not present in population databases (gnomAD no frequency). This variant has not been reported in the literature in individuals affected with SETBP1-related conditions. Advanced modeling of protein sequence and biophysical properties (such as structural, functional, and spatial information, amino acid conservation, physicochemical variation, residue mobility, and thermodynamic stability) performed at Invitae indicates that this missense variant is not expected to disrupt SETBP1 protein function with a negative predictive value of 80%. In summary, the available evidence is currently insufficient to determine the role of this variant in disease. Therefore, it has been classified as a Variant of Uncertain Significance.

NM_015559.3(SETBP1):c.1064T>A (p.Val355Asp)

Gene: SETBP1 (SET binding protein 1; plus strand). Cytogenetic location: 18q12.3.
Variant type: single nucleotide variant.
Coding change: c.1064T>A on transcript NM_015559.3 (MANE Select); coding-DNA position 1064, T replaced by A.
Protein change: p.Val355Asp; replaces valine 355 with aspartic acid.
Molecular consequence: missense variant.
Genome position (GRCh38, 1-based): chr18:44,950,404, T>A. VCF-style: chr18-44950404-T-A. GRCh37 (hg19) VCF-style: chr18-42530369-T-A.
Other names: c.1064T>A, p.Val355Asp (NM_001379141.1, NM_001379142.1, NM_001410862.1); short protein forms V355D.
Identifiers: ClinVar variation 3648856 (VCV003648856.2).